The following is an entry in ClinVar:

NM_000313.4(PROS1):c.905T>G (p.Leu302Trp)

Gene: PROS1 (protein S; minus strand). Cytogenetic location: 3q11.1.
Variant type: single nucleotide variant.
Coding change: c.905T>G on transcript NM_000313.4 (MANE Select); coding-DNA position 905, T replaced by G.
Protein change: p.Leu302Trp; replaces leucine 302 with tryptophan.
Molecular consequence: missense variant.
Genome position (GRCh38, 1-based): chr3:93,896,636, A>C on the plus strand (T>G on the coding strand, the complement: PROS1 is on the minus strand). VCF-style: chr3-93896636-A-C. GRCh37 (hg19) VCF-style: chr3-93615480-A-C.
Other names: c.1001T>G, p.Leu334Trp (NM_001314077.2); short protein forms L302W, L334W.
Identifiers: ClinVar variation 1703789 (VCV001703789.1), dbSNP rs2472129812, ClinGen allele CA353672632.

ClinVar aggregate classification (germline): Uncertain significance (1 of 4 stars; one submission).

Conditions:
Thrombophilia due to protein S deficiency, autosomal dominant (THPH5). Identifiers: Orphanet 26349, Orphanet 743, MedGen C3278211, MONDO:0012868, OMIM 612336. Disease mechanism: loss of function.

Allele frequency attached by ClinVar (database versions not stated): gnomAD exomes below 0.00001.

Submission:

ISTH-SSC Genomics in Thrombosis and Hemostasis, KU Leuven, Center for Molecular and Vascular Biology
Classification: Uncertain significance for Thrombophilia due to protein S deficiency, autosomal dominant. Review status: criteria provided, single submitter. Criteria: ACMG Guidelines, 2015. Collection method: clinical testing. Allele origin: germline. Affected: yes. Observed: 1 heterozygote.
Comment: Submitted to GoldVariant by Kathleen Freson, Center for Molecular and Vascular Biology, Leuven, Belgium